The following is an entry in ClinVar:

ClinVar aggregate classification (germline): Uncertain significance. Review status: criteria provided, multiple submitters, no conflicts (2 of 4 stars). 4 submissions from 4 submitters: Uncertain significance (4). Last evaluated 2025-11-17.

Conditions:
Inborn genetic diseases. Identifiers: MedGen C0950123, MeSH D030342.
ALG9 congenital disorder of glycosylation (CDG1L). Also called: ALG9-CDG; CDG Il; CONGENITAL DISORDER OF GLYCOSYLATION, TYPE Il. Identifiers: Orphanet 79328, MedGen C2931006, MONDO:0012117, OMIM 608776.

Allele frequency attached by ClinVar (database versions not stated): ExAC 0.00001; gnomAD exomes 0.00002 and 0.00008; TOPMed 0.00003; gnomAD 0.00006 and 0.00007.
gnomAD v4.1: 133 of 1,613,964 alleles (0.0082%); highest among the groups gnomAD compares: Non-Finnish European, 0.01%; no homozygotes.

Submissions (4):

Labcorp Genetics (formerly Invitae), Labcorp
Classification: Uncertain significance for ALG9 congenital disorder of glycosylation. Last evaluated: 2025-11-17. Review status: criteria provided, single submitter. Criteria: Invitae Variant Classification Sherloc (09022015). Collection method: clinical testing. Allele origin: germline.
Comment: This sequence change replaces glycine, which is neutral and non-polar, with serine, which is neutral and polar, at codon 350 of the ATP6V0A2 protein (p.Gly350Ser). This variant is present in population databases (rs768141782, gnomAD 0.01%). This variant has not been reported in the literature in individuals affected with ATP6V0A2-related conditions. ClinVar contains an entry for this variant (Variation ID: 286128). Invitae Evidence Modeling of protein sequence and biophysical properties (such as structural, functional, and spatial information, amino acid conservation, physicochemical variation, residue mobility, and thermodynamic stability) indicates that this missense variant is not expected to disrupt ATP6V0A2 protein function with a negative predictive value of 80%. In summary, the available evidence is currently insufficient to determine the role of this variant in disease. Therefore, it has been classified as a Variant of Uncertain Significance.

Ambry Genetics
Classification: Uncertain significance for Inborn genetic diseases. Last evaluated: 2023-12-27. Review status: criteria provided, single submitter. Criteria: Ambry Variant Classification Scheme 2023. Collection method: clinical testing. Allele origin: germline.

Athena Diagnostics
Classification: Uncertain significance. Last evaluated: 2020-01-10. Review status: criteria provided, single submitter. Criteria: Athena Diagnostics Criteria. Collection method: clinical testing. Allele origin: unknown.

Eurofins Ntd Llc (ga)
Classification: Uncertain significance. Last evaluated: 2016-02-17. Review status: criteria provided, single submitter. Criteria: EGL Classification Definitions 2015. Collection method: clinical testing. Allele origin: germline. Observed: 1 variant allele, 1 heterozygote.

NM_012463.4(ATP6V0A2):c.1048G>A (p.Gly350Ser)

Gene: ATP6V0A2 (ATPase H+ transporting V0 subunit a2; plus strand). Cytogenetic location: 12q24.31.
Variant type: single nucleotide variant.
Coding change: c.1048G>A on transcript NM_012463.4 (MANE Select); coding-DNA position 1048, G replaced by A.
Protein change: p.Gly350Ser; replaces glycine 350 with serine.
Molecular consequence: missense variant.
Genome position (GRCh38, 1-based): chr12:123,743,794, G>A. VCF-style: chr12-123743794-G-A. GRCh37 (hg19) VCF-style: chr12-124228341-G-A.
Other names: short protein forms G350S.
Identifiers: ClinVar variation 286128 (VCV000286128.11), dbSNP rs768141782, ClinGen allele CA6861828.
Genomic context (GRCh38, chr12:123,743,794, plus strand): 5'-TTATTTTCTTCTTGGATAGTAATTTTTTATCTTTCCTTGTTTATGTGGAAGAGAGAGAGT[G>A]GTGCTACAATCCCCTCATTCATGAATATAATCCCCACAAAAGAAACACCCCCCACTCGGA-3'
Protein context (NP_036595.2, residues 340-360): RALEEGSRES[Gly350Ser]ATIPSFMNII